The following is an entry in ClinVar:

NM_020207.7(ERCC6L2):c.4475A>G (p.Lys1492Arg)

Gene: ERCC6L2 (ERCC excision repair 6 like 2; plus strand). Cytogenetic location: 9q22.32.
Variant type: single nucleotide variant.
Coding change: c.4475A>G on transcript NM_020207.7 (MANE Select); coding-DNA position 4475, A replaced by G.
Protein change: p.Lys1492Arg; replaces lysine 1492 with arginine.
Molecular consequence: missense variant. On other transcripts: non-coding transcript variant (1), intron variant (2).
Genome position (GRCh38, 1-based): chr9:96,013,025, A>G. VCF-style: chr9-96013025-A-G. GRCh37 (hg19) VCF-style: chr9-98775307-A-G.
Other names: c.3674+8324A>G (NM_001375291.1, NM_001375292.1); short protein forms K1492R.
Identifiers: ClinVar variation 1974908 (VCV001974908.2), dbSNP rs1564304815, ClinGen allele CA466124019.
Genomic context (GRCh38, chr9:96,013,025, plus strand): 5'-AACAGAGACCAAAAGATTTCTGGGACATCTTGAATGAGCAGAATGATGAGAGTCTTAGTA[A>G]ACTCACAGACTTGGCAGTAATAGAGACTCTGTGTGAAAAAGCACCTCTAGCAGCACCCTT-3'
Protein context (NP_064592.3, residues 1482-1502): LNEQNDESLS[Lys1492Arg]LTDLAVIETL

ClinVar aggregate classification (germline): Uncertain significance (1 of 4 stars; one submission).

Submission:

Labcorp Genetics (formerly Invitae), Labcorp
Classification: Uncertain significance. Last evaluated: 2022-06-18. Review status: criteria provided, single submitter. Criteria: Invitae Variant Classification Sherloc (09022015). Collection method: clinical testing. Allele origin: germline.
Comment: This sequence change replaces lysine, which is basic and polar, with arginine, which is basic and polar, at codon 1503 of the ERCC6L2 protein (p.Lys1503Arg). This variant is not present in population databases (gnomAD no frequency). This variant has not been reported in the literature in individuals affected with ERCC6L2-related conditions. Algorithms developed to predict the effect of missense changes on protein structure and function are either unavailable or do not agree on the potential impact of this missense change (SIFT: "Deleterious"; PolyPhen-2: "Not Available"; Align-GVGD: "Class C0"). In summary, the available evidence is currently insufficient to determine the role of this variant in disease. Therefore, it has been classified as a Variant of Uncertain Significance.